The following is an entry in ClinVar:

NM_001366385.1(CARD14):c.1658+5G>A

Gene: CARD14 (caspase recruitment domain family member 14; plus strand). Cytogenetic location: 17q25.3.
Variant type: single nucleotide variant.
Coding change: c.1658+5G>A on transcript NM_001366385.1 (MANE Select); 5 bases into the intron after coding-DNA position 1658, G replaced by A.
Molecular consequence: intron variant.
Genome position (GRCh38, 1-based): chr17:80,198,167, G>A. VCF-style: chr17-80198167-G-A. GRCh37 (hg19) VCF-style: chr17-78171966-G-A.
Other names: c.1658+5G>A (NM_024110.4, NM_001257970.1); c.947+5G>A (NM_052819.3).
Identifiers: ClinVar variation 1404750 (VCV001404750.6), dbSNP rs1251749882, ClinGen allele CA628019186.

ClinVar aggregate classification (germline): Uncertain significance (1 of 4 stars; one submission).

Conditions:
Pityriasis rubra pilaris (PRP). Also called: Pityriasis rubra pilaris--familial type. Identifiers: Orphanet 2897, MedGen C0032027, MONDO:0100017, OMIM 173200, MONDO:0008251.
Psoriasis 2. Identifiers: MedGen C1864497, MONDO:0011269, OMIM 602723.

Allele frequency attached by ClinVar (database versions not stated): gnomAD exomes below 0.00001 and 0.00001; gnomAD 0.00001; TOPMed 0.00001.
gnomAD v4.1: 12 of 1,613,638 alleles (0.00074%); highest among the groups gnomAD compares: Non-Finnish European, 0.001%; no homozygotes.

Submission:

Labcorp Genetics (formerly Invitae), Labcorp
Classification: Uncertain significance for Pityriasis rubra pilaris; Psoriasis 2. Last evaluated: 2025-03-13. Review status: criteria provided, single submitter. Criteria: Invitae Variant Classification Sherloc (09022015). Collection method: clinical testing. Allele origin: germline.
Comment: This sequence change falls in intron 12 of the CARD14 gene. It does not directly change the encoded amino acid sequence of the CARD14 protein. It affects a nucleotide within the consensus splice site. This variant is present in population databases (no rsID available, gnomAD 0.0009%). This variant has not been reported in the literature in individuals affected with CARD14-related conditions. ClinVar contains an entry for this variant (Variation ID: 1404750). Variants that disrupt the consensus splice site are a relatively common cause of aberrant splicing (PMID: 17576681, 9536098). Algorithms developed to predict the effect of sequence changes on RNA splicing suggest that this variant may disrupt the consensus splice site. In summary, the available evidence is currently insufficient to determine the role of this variant in disease. Therefore, it has been classified as a Variant of Uncertain Significance.

Literature cited by the submitters: PubMed 17576681; PubMed 9536098.